The following is an entry in ClinVar:

ClinVar aggregate classification (germline): Pathogenic/Likely pathogenic. Review status: criteria provided, multiple submitters, no conflicts (2 of 4 stars). 2 submissions from 2 submitters: Pathogenic (1); Likely pathogenic (1). Last evaluated 2026-04-15.

Conditions:
Pontocerebellar hypoplasia type 2E. Identifiers: Orphanet 247198, MedGen C4014488, MONDO:0014370, OMIM 615851.

Submissions (2):

Myriad Genetics, Inc.
Classification: Pathogenic for Pontocerebellar hypoplasia type 2E. Last evaluated: 2026-04-15. Review status: criteria provided, single submitter. Criteria: Myriad Autosomal Dominant, Autosomal Recessive and X-Linked Classification Criteria (2023). Collection method: clinical testing. Allele origin: unknown.
Comment: NM_001128159.2(VPS53):c.1915delA(T639Pfs*65) is a frameshift variant classified as pathogenic in the context of pontocerebellar hypoplasia, VPS53-related. T639Pfs*65 has not been observed in cases with relevant disease. Relevant functional assessments of this variant are not available in the literature. T639Pfs*65 has not been observed in referenced population frequency databases. In summary, NM_001128159.2(VPS53):c.1915delA(T639Pfs*65) is a frameshift variant in a gene where loss of function is a known mechanism of disease and is predicted to disrupt protein function. Please note: this variant was assessed in the context of healthy population screening.

Fulgent Genetics
Classification: Likely pathogenic for Pontocerebellar hypoplasia type 2E. Last evaluated: 2024-05-29. Review status: criteria provided, single submitter. Criteria: ACMG Guidelines, 2015. Collection method: clinical testing. Allele origin: germline.

NM_001128159.3(VPS53):c.1915del (p.Thr639fs)

Gene: VPS53 (VPS53 subunit of GARP complex; minus strand). Cytogenetic location: 17p13.3.
Variant type: Deletion.
Coding change: c.1915del on transcript NM_001128159.3 (MANE Select); coding-DNA position 1915, one base deleted (A; older notation c.1915delA).
Protein change: p.Thr639fs; shifts the reading frame from threonine 639.
Molecular consequence: frameshift variant.
Genome position (GRCh38, 1-based): chr17:537,128, T deleted on the plus strand (A on the coding strand, the reverse complement: VPS53 is on the minus strand). VCF-style (leftmost placement, unchanged base first): chr17-537127-GT-G. GRCh37 (hg19) VCF-style: chr17-440367-GT-G.
Other names: c.1915del, p.Thr639fs (NM_001366253.2); c.1321del, p.Thr441fs (NM_001366254.2); c.1828del, p.Thr610fs (NM_018289.4); short protein forms T610fs, T441fs, T639fs.
Identifiers: ClinVar variation 3582154 (VCV003582154.2).